The following is an entry in ClinVar:

ClinVar aggregate classification (germline): Uncertain significance. Review status: criteria provided, multiple submitters, no conflicts (2 of 4 stars). 2 submissions from 2 submitters: Uncertain significance (2). Last evaluated 2025-05-15.

Conditions:
Hereditary cancer-predisposing syndrome. Also called: Tumor predisposition; Neoplastic Syndromes, Hereditary; Hereditary Cancer Syndrome; Hereditary neoplastic syndrome. Identifiers: Orphanet 140162, MedGen C0027672, MeSH D009386, MONDO:0015356.
Fanconi anemia complementation group J. Also called: BRIP1-Related Fanconi Anemia. Identifiers: Orphanet 84, MedGen C1836860, MONDO:0012187, OMIM 609054.
Familial cancer of breast. Also called: BREAST CANCER, FAMILIAL; Hereditary breast cancer; hereditary breast carcinoma. Identifiers: Orphanet 227535, MedGen C0346153, MONDO:0016419, OMIM 114480. Disease mechanism: loss of function.

Submissions (2):

Labcorp Genetics (formerly Invitae), Labcorp
Classification: Uncertain significance for Familial cancer of breast; Fanconi anemia complementation group J. Last evaluated: 2025-05-15. Review status: criteria provided, single submitter. Criteria: Invitae Variant Classification Sherloc (09022015). Collection method: clinical testing. Allele origin: germline.
Comment: This sequence change replaces valine, which is neutral and non-polar, with methionine, which is neutral and non-polar, at codon 598 of the BRIP1 protein (p.Val598Met). This variant is not present in population databases (gnomAD no frequency). This variant has not been reported in the literature in individuals affected with BRIP1-related conditions. ClinVar contains an entry for this variant (Variation ID: 1780212). Invitae Evidence Modeling of protein sequence and biophysical properties (such as structural, functional, and spatial information, amino acid conservation, physicochemical variation, residue mobility, and thermodynamic stability) has been performed for this missense variant. However, the output from this modeling did not meet the statistical confidence thresholds required to predict the impact of this variant on BRIP1 protein function. In summary, the available evidence is currently insufficient to determine the role of this variant in disease. Therefore, it has been classified as a Variant of Uncertain Significance.

Ambry Genetics
Classification: Uncertain significance for Hereditary cancer-predisposing syndrome. Last evaluated: 2022-04-19. Review status: criteria provided, single submitter. Criteria: Ambry Variant Classification Scheme 2023. Collection method: clinical testing. Allele origin: germline.
Comment: The p.V598M variant (also known as c.1792G>A), located in coding exon 11 of the BRIP1 gene, results from a G to A substitution at nucleotide position 1792. The valine at codon 598 is replaced by methionine, an amino acid with highly similar properties. This amino acid position is conserved. In addition, the in silico prediction for this alteration is inconclusive. Since supporting evidence is limited at this time, the clinical significance of this alteration remains unclear.

NM_032043.3(BRIP1):c.1792G>A (p.Val598Met)

Gene: BRIP1 (BRCA1 interacting DNA helicase 1; minus strand). Cytogenetic location: 17q23.2.
Variant type: single nucleotide variant.
Coding change: c.1792G>A on transcript NM_032043.3 (MANE Select); coding-DNA position 1792, G replaced by A.
Protein change: p.Val598Met; replaces valine 598 with methionine.
Molecular consequence: missense variant.
Genome position (GRCh38, 1-based): chr17:61,780,842, C>T on the plus strand (G>A on the coding strand, the complement: BRIP1 is on the minus strand). VCF-style: chr17-61780842-C-T. GRCh37 (hg19) VCF-style: chr17-59858203-C-T.
Other names: short protein forms V598M.
Identifiers: ClinVar variation 1780212 (VCV001780212.4), dbSNP rs2145089937, ClinGen allele CA400480249.